The following is an entry in ClinVar:

ClinVar aggregate classification (germline): Likely pathogenic (1 of 4 stars; one submission).

gnomAD v4.1: 1 of 1,593,048 alleles (0.000063%); no homozygotes.

Submission:

Labcorp Genetics (formerly Invitae), Labcorp
Classification: Likely pathogenic. Last evaluated: 2024-05-04. Review status: criteria provided, single submitter. Criteria: Invitae Variant Classification Sherloc (09022015). Collection method: clinical testing. Allele origin: germline.
Comment: This sequence change affects a donor splice site in intron 12 of the TBCK gene. It is expected to disrupt RNA splicing. Variants that disrupt the donor or acceptor splice site typically lead to a loss of protein function (PMID: 16199547), and loss-of-function variants in TBCK are known to be pathogenic (PMID: 27040692, 30103036). This variant is not present in population databases (gnomAD no frequency). Disruption of this splice site has been observed in individual(s) with TBCK-related conditions (PMID: 32860008). Algorithms developed to predict the effect of sequence changes on RNA splicing suggest that this variant may disrupt the consensus splice site. In summary, the currently available evidence indicates that the variant is pathogenic, but additional data are needed to prove that conclusively. Therefore, this variant has been classified as Likely Pathogenic.

Literature cited by the submitters: PubMed 16199547; PubMed 27040692; PubMed 30103036; PubMed 32860008.

NM_001163435.3(TBCK):c.1170+1G>T

Gene: TBCK (TBC1 domain containing kinase; minus strand). Cytogenetic location: 4q24.
Variant type: single nucleotide variant.
Coding change: c.1170+1G>T on transcript NM_001163435.3 (MANE Select); the canonical splice donor site of the intron after coding-DNA position 1170, G replaced by T.
Molecular consequence: splice donor variant.
Genome position (GRCh38, 1-based): chr4:106,242,469, C>A on the plus strand (G>T on the coding strand, the complement: TBCK is on the minus strand). VCF-style: chr4-106242469-C-A. GRCh37 (hg19) VCF-style: chr4-107163626-C-A.
Other names: c.654+1G>T (NM_001290768.2); c.1170+1G>T (NM_001163436.4); c.981+1G>T (NM_033115.5); c.1053+1G>T (NM_001163437.3).
Identifiers: ClinVar variation 3652093 (VCV003652093.2).